The following is an entry in ClinVar:

ClinVar aggregate classification (germline): Uncertain significance (1 of 4 stars; one submission).

Conditions:
Kabuki syndrome 2 (KABUK2). Also called: KDM6A-Related Kabuki Syndrome. Identifiers: Orphanet 2322, MedGen C3275495, MONDO:0010465, OMIM 300867.

gnomAD v4.1: 1 of 1,195,332 alleles (0.000084%); no homozygotes.

Submission:

Labcorp Genetics (formerly Invitae), Labcorp
Classification: Uncertain significance for Kabuki syndrome 2. Last evaluated: 2023-04-15. Review status: criteria provided, single submitter. Criteria: Invitae Variant Classification Sherloc (09022015). Collection method: clinical testing. Allele origin: germline.
Comment: This variant has not been reported in the literature in individuals affected with KDM6A-related conditions. This variant is not present in population databases (gnomAD no frequency). This sequence change replaces alanine, which is neutral and non-polar, with valine, which is neutral and non-polar, at codon 1393 of the KDM6A protein (p.Ala1393Val). An algorithm developed to predict the effect of missense changes on protein structure and function (PolyPhen-2) suggests that this variant is likely to be tolerated. In summary, the available evidence is currently insufficient to determine the role of this variant in disease. Therefore, it has been classified as a Variant of Uncertain Significance.

NM_001291415.2(KDM6A):c.4334C>T (p.Ala1445Val)

Gene: KDM6A (lysine demethylase 6A; plus strand). Cytogenetic location: Xp11.3.
Variant type: single nucleotide variant.
Coding change: c.4334C>T on transcript NM_001291415.2 (MANE Select); coding-DNA position 4334, C replaced by T.
Protein change: p.Ala1445Val; replaces alanine 1445 with valine.
Molecular consequence: missense variant. On other transcripts: non-coding transcript variant (1).
Genome position (GRCh38, 1-based): chrX:45,111,383, C>T. VCF-style: chrX-45111383-C-T. GRCh37 (hg19) VCF-style: chrX-44970628-C-T.
Other names: c.4199C>T, p.Ala1400Val (NM_001291416.2); c.4043C>T, p.Ala1348Val (NM_001291417.2); c.3941C>T, p.Ala1314Val (NM_001291418.2); c.3290C>T, p.Ala1097Val (NM_001291421.2); c.4076C>T, p.Ala1359Val (NM_001410742.1); c.4442C>T, p.Ala1481Val (NM_001419809.1); c.4340C>T, p.Ala1447Val (NM_001419810.1); c.4307C>T, p.Ala1436Val (NM_001419811.1); and 5 more; short protein forms A1314V, A1393V, A1429V, A1436V, A1445V, A1447V, A1481V, A1350V.
Identifiers: ClinVar variation 2791507 (VCV002791507.3), dbSNP rs2523593267, ClinGen allele CA412777873.